The following is an entry in ClinVar:

NM_000551.4(VHL):c.473T>C (p.Leu158Pro)

Genes: VHL (von Hippel-Lindau tumor suppressor; plus strand), LOC107303340 (3p25 von Hippel-Lindau tumor suppressor, E3 ubiquitin protein ligase Alu-mediated recombination region; plus strand). Cytogenetic location: 3p25.3.
Variant type: single nucleotide variant.
Coding change: c.473T>C on transcript NM_000551.4 (MANE Select); coding-DNA position 473, T replaced by C.
Protein change: p.Leu158Pro; replaces leucine 158 with proline.
Molecular consequence: missense variant. On other transcripts: 3 prime UTR variant (1).
Genome position (GRCh38, 1-based): chr3:10,149,796, T>C. VCF-style: chr3-10149796-T-C. GRCh37 (hg19) VCF-style: chr3-10191480-T-C.
Other names: p.L158P:CTG>CCG; c.*27T>C (NM_001354723.2); c.350T>C, p.Leu117Pro (NM_198156.3); short protein forms L158P, L117P.
Identifiers: ClinVar variation 182980 (VCV000182980.15), dbSNP rs121913346, ClinGen allele CA020399.
Genomic context (GRCh38, chr3:10,149,796, plus strand): 5'-TTGTACTGAGACCCTAGTCTGCCACTGAGGATTTGGTTTTTGCCCTTCCAGTGTATACTC[T>C]GAAAGAGCGATGCCTCCAGGTTGTCCGGAGCCTAGTCAAGCCTGAGAATTACAGGAGACT-3'
Protein context (NP_000542.1, residues 148-168): FANITLPVYT[Leu158Pro]KERCLQVVRS

ClinVar aggregate classification (germline): Pathogenic. Review status: criteria provided, multiple submitters, no conflicts (2 of 4 stars). 5 submissions from 5 submitters: Pathogenic (4). 1 of the submissions does not count toward it. Last evaluated 2023-07-17.

Conditions:
Von Hippel-Lindau syndrome (VHLS). Also called: VHL syndrome; Von Hippel-Lindau; von Hippel–Lindau syndrome. Identifiers: Orphanet 892, MedGen C0019562, MONDO:0008667, OMIM 193300. Disease mechanism: loss of function.
Chuvash polycythemia. Also called: POLYCYTHEMIA, VHL-DEPENDENT. Identifiers: Orphanet 238557, MedGen C1837915, MONDO:0009892, OMIM 263400.
Hereditary cancer-predisposing syndrome. Also called: Tumor predisposition; Hereditary Cancer Syndrome; Hereditary neoplastic syndrome; Neoplastic Syndromes, Hereditary. Identifiers: Orphanet 140162, MedGen C0027672, MeSH D009386, MONDO:0015356.

Submissions (5):

Labcorp Genetics (formerly Invitae), Labcorp
Classification: Pathogenic for Von Hippel-Lindau syndrome; Chuvash polycythemia. Last evaluated: 2023-07-17. Review status: criteria provided, single submitter. Criteria: Invitae Variant Classification Sherloc (09022015). Collection method: clinical testing. Allele origin: germline.
Comment: This variant is not present in population databases (gnomAD no frequency). This sequence change replaces leucine, which is neutral and non-polar, with proline, which is neutral and non-polar, at codon 158 of the VHL protein (p.Leu158Pro). This missense change has been observed in individuals with von Hippel-Lindau syndrome and sporadic renal cell carcinoma (PMID: 1056348, 7728151, 7977367, 10408776, 12202531, 15300849, 17661816, 20351605, 23070752, 25867206; Invitae). For these reasons, this variant has been classified as Pathogenic. This variant disrupts the p.Leu158 amino acid residue in VHL. Other variant(s) that disrupt this residue have been determined to be pathogenic (PMID: 10761708, 14722919, 19574279, 28052007). This suggests that this residue is clinically significant, and that variants that disrupt this residue are likely to be disease-causing. Experimental studies have shown that this missense change affects VHL function (PMID: 7553625, 11331613, 19602254, 28775317). Advanced modeling of protein sequence and biophysical properties (such as structural, functional, and spatial information, amino acid conservation, physicochemical variation, residue mobility, and thermodynamic stability) performed at Invitae indicates that this missense variant is expected to disrupt VHL protein function. ClinVar contains an entry for this variant (Variation ID: 182980). This variant is also known as 686T>C (Leu229Pro).

Ambry Genetics
Classification: Pathogenic for Hereditary cancer-predisposing syndrome. Last evaluated: 2023-03-29. Review status: criteria provided, single submitter. Criteria: Ambry Variant Classification Scheme 2023. Collection method: clinical testing. Allele origin: germline.
Comment: The p.L158P pathogenic mutation (also known as c.473T>C), located in coding exon 3 of the VHL gene, results from a T to C substitution at nucleotide position 473. The leucine at codon 158 is replaced by proline, an amino acid with similar properties. This variant has been reported in several families with VHL (Whaley JM et al. Am. J. Hum. Genet. 1994 Dec;55(6):1092-102; Olschwang S et al. Hum Mutat. 1998;12(6):424-30; Ambry internal data). Of note, this variant may be referred to as c.686T>C in older literature.This alteration has been shown to disrupt the ability of the chaperone complex elongin-BC to bind to the VHL protein which leads to improper protein folding (McClellan AJ et al. Cell. 2005 Jun 3;121(5):739-48). One in vitro functional study showed that this variant produced an unstable VHL protein. The authors also show that a p.L158P mutant cell line displayed the same disorganized, fibroblastic morphology as seen in other VHL mutants, and classified this variant as a type 1 VHL mutation (Bangiyeva V et al.. BMC Cancer. 2009 Jul 14;9:229). This amino acid position is highly conserved in available vertebrate species. In addition, this alteration is predicted to be deleterious by in silico analysis. Based on the supporting evidence, this alteration is interpreted as a disease-causing mutation.

GeneDx
Classification: Pathogenic. Last evaluated: 2021-06-17. Review status: criteria provided, single submitter. Criteria: GeneDx Variant Classification Process June 2021. Collection method: clinical testing. Allele origin: germline. Affected: yes.
Comment: Published functional studies demonstrate a damaging effect: reduced HIF1-alpha ubiquinitation, disrupted stability, impaired ability to bind to elongin B and C, and disrupted folding of the VHL protein (Feldman 1999, Kamura 2000, McClellan 2005, Bangiyeva 2009); Not observed at significant frequency in large population cohorts (Lek 2016); In silico analysis supports that this missense variant has a deleterious effect on protein structure/function; Also known as 686T>C, Leu229Pro; This variant is associated with the following publications: (PMID: 8956040, 10635329, 11331612, 7977367, 6582782, 12202531, 15300849, 17661816, 9829912, 10973499, 15935760, 14987375, 27535533, 19955664, 19602254)

Women's Health and Genetics/Laboratory Corporation of America, LabCorp
Classification: Pathogenic for Von Hippel-Lindau syndrome. Last evaluated: 2016-02-04. Review status: criteria provided, single submitter. Criteria: LabCorp Variant Classification Summary - May 2015. Collection method: clinical testing. Allele origin: germline.
Comment: Variant summary: The c.473T>C variant affects a conserved nucleotide, resulting in amino acid change from Leu to Pro. 4/4 in-silico tools predict damaging outcome for this variant. This variant has been reported in at least 8 VHL patients and not found in 120292 control chromosomes. In addition, one clinical laboratory classified this variant as pathogenic. Taken together, this variant was classified as pathogenic.

Genomic Diagnostic Laboratory, Division of Genomic Diagnostics, Children's Hospital of Philadelphia
Classification: Pathogenic for Von Hippel-Lindau syndrome. Last evaluated: 2016-02-26. Review status: no assertion criteria provided. Collection method: clinical testing. Allele origin: germline. Affected: yes. Observed: 11 variant alleles. Not counted in ClinVar's aggregate classification.

Literature cited by the submitters: PubMed 1056348 (cited by Labcorp Genetics (formerly Invitae), Labcorp); PubMed 7728151 (cited by Labcorp Genetics (formerly Invitae), Labcorp and Women's Health and Genetics/Laboratory Corporation of America, LabCorp); PubMed 7977367 (cited by Labcorp Genetics (formerly Invitae), Labcorp and Women's Health and Genetics/Laboratory Corporation of America, LabCorp); PubMed 10408776 (cited by Labcorp Genetics (formerly Invitae), Labcorp); PubMed 12202531 (cited by Labcorp Genetics (formerly Invitae), Labcorp); PubMed 15300849 (cited by Labcorp Genetics (formerly Invitae), Labcorp); PubMed 17661816 (cited by Labcorp Genetics (formerly Invitae), Labcorp); PubMed 20351605 (cited by Labcorp Genetics (formerly Invitae), Labcorp); PubMed 23070752 (cited by Labcorp Genetics (formerly Invitae), Labcorp); PubMed 25867206 (cited by Labcorp Genetics (formerly Invitae), Labcorp); PubMed 10761708 (cited by Labcorp Genetics (formerly Invitae), Labcorp); PubMed 14722919 (cited by Labcorp Genetics (formerly Invitae), Labcorp); PubMed 19574279 (cited by Labcorp Genetics (formerly Invitae), Labcorp); PubMed 28052007 (cited by Labcorp Genetics (formerly Invitae), Labcorp); PubMed 7553625 (cited by Labcorp Genetics (formerly Invitae), Labcorp); PubMed 11331613 (cited by Labcorp Genetics (formerly Invitae), Labcorp); PubMed 19602254 (cited by Labcorp Genetics (formerly Invitae), Labcorp and Women's Health and Genetics/Laboratory Corporation of America, LabCorp); PubMed 28775317 (cited by Labcorp Genetics (formerly Invitae), Labcorp); PubMed 10563480 (cited by Women's Health and Genetics/Laboratory Corporation of America, LabCorp); PubMed 8825919 (cited by Women's Health and Genetics/Laboratory Corporation of America, LabCorp); PubMed 9829912 (cited by Women's Health and Genetics/Laboratory Corporation of America, LabCorp).